The following is an entry in ClinVar:

NM_001036.6(RYR3):c.7016T>G (p.Leu2339Arg)

Gene: RYR3 (ryanodine receptor 3; plus strand). Cytogenetic location: 15q14.
Variant type: single nucleotide variant.
Coding change: c.7016T>G on transcript NM_001036.6 (MANE Select); coding-DNA position 7016, T replaced by G.
Protein change: p.Leu2339Arg; replaces leucine 2339 with arginine.
Molecular consequence: missense variant.
Genome position (GRCh38, 1-based): chr15:33,726,489, T>G. VCF-style: chr15-33726489-T-G. GRCh37 (hg19) VCF-style: chr15-34018690-T-G.
Other names: c.7016T>G, p.Leu2339Arg (NM_001243996.4); c.7016T>G (NM_001036.3); short protein forms L2339R.
Identifiers: ClinVar variation 638897 (VCV000638897.13), dbSNP rs200721037, ClinGen allele CA7459759.
Genomic context (GRCh38, chr15:33,726,489, plus strand): 5'-TCCTGCGCTCCCTGGTCCCCACAGAAGACCTGGTTGGGATCATCAGCATCCCCTTGAAAC[T>G]GCCCTCCCTCAACAAAGGTAAGGGGAGTGACTGCAGGCTGCAGCAGCAGTCTCCCAGCAG-3'
Protein context (NP_001027.3, residues 2329-2349): LVGIISIPLK[Leu2339Arg]PSLNKDGSVS

ClinVar aggregate classification (germline): Uncertain significance. Review status: criteria provided, multiple submitters, no conflicts (2 of 4 stars). 3 submissions from 3 submitters: Uncertain significance (3). Last evaluated 2026-08-01.

Conditions:
Epileptic encephalopathy. Identifiers: MedGen C0543888, HP:0200134.

Allele frequency attached by ClinVar (database versions not stated): gnomAD 0.00007; TOPMed 0.00007; gnomAD exomes 0.00009; ExAC 0.00013; ESP Exome Variant Server 0.00016.
gnomAD v4.1: 94 of 1,599,256 alleles (0.0059%); highest among the groups gnomAD compares: Non-Finnish European, 0.0038%; no homozygotes.

Submissions (3):

CeGaT Center for Human Genetics Tuebingen
Classification: Uncertain significance. Last evaluated: 2026-08-01. Review status: criteria provided, single submitter. Criteria: CeGaT Center For Human Genetics Tuebingen Variant Classification Criteria Version 2. Collection method: clinical testing. Allele origin: germline. Affected: yes. Observed: 1 variant allele.
Comment: RYR3: PM2

Ambry Genetics
Classification: Uncertain significance. Last evaluated: 2023-01-10. Review status: criteria provided, single submitter. Criteria: Ambry Variant Classification Scheme 2023. Collection method: clinical testing. Allele origin: germline.

Labcorp Genetics (formerly Invitae), Labcorp
Classification: Uncertain significance for Epileptic encephalopathy. Last evaluated: 2022-10-13. Review status: criteria provided, single submitter. Criteria: Invitae Variant Classification Sherloc (09022015). Collection method: clinical testing. Allele origin: germline.
Comment: This variant is present in population databases (rs200721037, gnomAD 0.1%), and has an allele count higher than expected for a pathogenic variant. This sequence change replaces leucine, which is neutral and non-polar, with arginine, which is basic and polar, at codon 2339 of the RYR3 protein (p.Leu2339Arg). This variant has not been reported in the literature in individuals affected with RYR3-related conditions. ClinVar contains an entry for this variant (Variation ID: 638897). Advanced modeling of protein sequence and biophysical properties (such as structural, functional, and spatial information, amino acid conservation, physicochemical variation, residue mobility, and thermodynamic stability) performed at Invitae indicates that this missense variant is not expected to disrupt RYR3 protein function. In summary, the available evidence is currently insufficient to determine the role of this variant in disease. Therefore, it has been classified as a Variant of Uncertain Significance.